The following is an entry in ClinVar:

NM_021100.5(NFS1):c.207+20C>T

Gene: NFS1 (NFS1 cysteine desulfurase; minus strand). Cytogenetic location: 20q11.22.
Variant type: single nucleotide variant.
Coding change: c.207+20C>T on transcript NM_021100.5 (MANE Select); 20 bases into the intron after coding-DNA position 207, C replaced by T.
Molecular consequence: intron variant.
Genome position (GRCh38, 1-based): chr20:35,698,461, G>A on the plus strand (C>T on the coding strand, the complement: NFS1 is on the minus strand). VCF-style: chr20-35698461-G-A. GRCh37 (hg19) VCF-style: chr20-34286383-G-A.
Other names: c.207+20C>T (NM_001198989.2).
Identifiers: ClinVar variation 669175 (VCV000669175.1), dbSNP rs1474664703, ClinGen allele CA915952948.

ClinVar aggregate classification (germline): Likely benign (1 of 4 stars; one submission).

gnomAD v4.1: 2 of 1,553,244 alleles (0.00013%); highest among the groups gnomAD compares: Non-Finnish European, 0.00018%; no homozygotes.

Submission:

GeneDx
Classification: Likely benign. Last evaluated: 2018-06-18. Review status: criteria provided, single submitter. Criteria: GeneDx Variant Classification (06012015). Collection method: clinical testing. Allele origin: germline. Affected: yes.
Comment: This variant is considered likely benign or benign based on one or more of the following criteria: it is a conservative change, it occurs at a poorly conserved position in the protein, it is predicted to be benign by multiple in silico algorithms, and/or has population frequency not consistent with disease.